The following is an entry in ClinVar:

NM_005228.5(EGFR):c.3364G>A (p.Asp1122Asn)

Gene: EGFR (epidermal growth factor receptor; plus strand). Cytogenetic location: 7p11.2.
Variant type: single nucleotide variant.
Coding change: c.3364G>A on transcript NM_005228.5 (MANE Select); coding-DNA position 3364, G replaced by A.
Protein change: p.Asp1122Asn; replaces aspartic acid 1122 with asparagine.
Molecular consequence: missense variant.
Genome position (GRCh38, 1-based): chr7:55,205,348, G>A. VCF-style: chr7-55205348-G-A. GRCh37 (hg19) VCF-style: chr7-55273041-G-A.
Other names: c.3364G>A (NM_005228.3); c.3229G>A, p.Asp1077Asn (NM_001346899.2); c.3205G>A, p.Asp1069Asn (NM_001346900.2); c.2563G>A, p.Asp855Asn (NM_001346941.2); short protein forms D1069N, D1077N, D1122N, D855N.
Identifiers: ClinVar variation 1025984 (VCV001025984.9), dbSNP rs1788066477, ClinGen allele CA367584451.

ClinVar aggregate classification (germline): Uncertain significance. Review status: criteria provided, multiple submitters, no conflicts (2 of 4 stars). 2 submissions from 2 submitters: Uncertain significance (2). Last evaluated 2026-03-31.

Conditions:
Hereditary cancer-predisposing syndrome. Also called: Hereditary neoplastic syndrome; Neoplastic Syndromes, Hereditary; Tumor predisposition; Hereditary Cancer Syndrome. Identifiers: Orphanet 140162, MedGen C0027672, MeSH D009386, MONDO:0015356.
EGFR-related lung cancer (EGFR). Identifiers: MedGen CN130014.

Submissions (2):

Ambry Genetics
Classification: Uncertain significance for Hereditary cancer-predisposing syndrome. Last evaluated: 2026-03-31. Review status: criteria provided, single submitter. Criteria: Ambry Variant Classification Scheme 2023. Collection method: clinical testing. Allele origin: germline.
Comment: The p.D1122N variant (also known as c.3364G>A), located in coding exon 28 of the EGFR gene, results from a G to A substitution at nucleotide position 3364. The aspartic acid at codon 1122 is replaced by asparagine, an amino acid with highly similar properties. This amino acid position is conserved. In addition, this alteration is predicted to be tolerated by in silico analysis. Based on the available evidence, the clinical significance of this variant remains unclear.

Labcorp Genetics (formerly Invitae), Labcorp
Classification: Uncertain significance for EGFR-related lung cancer. Last evaluated: 2025-11-03. Review status: criteria provided, single submitter. Criteria: Invitae Variant Classification Sherloc (09022015). Collection method: clinical testing. Allele origin: germline.
Comment: This sequence change replaces aspartic acid, which is acidic and polar, with asparagine, which is neutral and polar, at codon 1122 of the EGFR protein (p.Asp1122Asn). This variant is not present in population databases (gnomAD no frequency). This variant has not been reported in the literature in individuals affected with EGFR-related conditions. ClinVar contains an entry for this variant (Variation ID: 1025984). An algorithm developed to predict the effect of missense changes on protein structure and function (PolyPhen-2) suggests that this variant is likely to be disruptive. In summary, the available evidence is currently insufficient to determine the role of this variant in disease. Therefore, it has been classified as a Variant of Uncertain Significance.